The following is an entry in ClinVar:

ClinVar aggregate classification (germline): Likely benign (1 of 4 stars; one submission).

Allele frequency attached by ClinVar (database versions not stated): 1000 Genomes Project 30x 0.00062; 1000 Genomes Project 0.00080.
gnomAD v4.1: 89 of 1,613,950 alleles (0.0055%); highest among the groups gnomAD compares: East Asian, 0.12%; 1 homozygote.

Submission:

CeGaT Center for Human Genetics Tuebingen
Classification: Likely benign. Last evaluated: 2022-07-01. Review status: criteria provided, single submitter. Criteria: CeGaT Center For Human Genetics Tuebingen Variant Classification Criteria Version 2. Collection method: clinical testing. Allele origin: germline. Affected: yes. Observed: 1 variant allele.
Comment: UMODL1: BP4, BP7

NM_001004416.3(UMODL1):c.907C>A (p.Arg303=)

Gene: UMODL1 (uromodulin like 1; plus strand). Cytogenetic location: 21q22.3.
Variant type: single nucleotide variant.
Coding change: c.907C>A on transcript NM_001004416.3 (MANE Select); coding-DNA position 907, C replaced by A.
Protein change: p.Arg303=; no amino-acid change (arginine 303 retained).
Molecular consequence: synonymous variant.
Genome position (GRCh38, 1-based): chr21:42,090,414, C>A. VCF-style: chr21-42090414-C-A. GRCh37 (hg19) VCF-style: chr21-43510524-C-A.
Other names: c.691C>A, p.Arg231= (NM_001199527.3, NM_001199528.4); c.907C>A, p.Arg303= (NM_173568.4).
Identifiers: ClinVar variation 2652698 (VCV002652698.24), dbSNP rs192021779, ClinGen allele CA10039387.